The following is an entry in ClinVar:

NM_001378778.1(MPDZ):c.2788A>C (p.Thr930Pro)

Gene: MPDZ (multiple PDZ domain crumbs cell polarity complex component; minus strand). Cytogenetic location: 9p23.
Variant type: single nucleotide variant.
Coding change: c.2788A>C on transcript NM_001378778.1 (MANE Select); coding-DNA position 2788, A replaced by C.
Protein change: p.Thr930Pro; replaces threonine 930 with proline.
Molecular consequence: missense variant.
Genome position (GRCh38, 1-based): chr9:13,176,279, T>G on the plus strand (A>C on the coding strand, the complement: MPDZ is on the minus strand). VCF-style: chr9-13176279-T-G. GRCh37 (hg19) VCF-style: chr9-13176278-T-G.
Other names: c.2788A>C, p.Thr930Pro (NM_001261406.2, NM_001261407.2, NM_001330637.2 and 14 more transcripts); short protein forms T930P.
Identifiers: ClinVar variation 1714828 (VCV001714828.5), dbSNP rs553777554, ClinGen allele CA372935239.

ClinVar aggregate classification (germline): Uncertain significance (1 of 4 stars; one submission).

Submission:

Labcorp Genetics (formerly Invitae), Labcorp
Classification: Uncertain significance. Last evaluated: 2022-08-02. Review status: criteria provided, single submitter. Criteria: Invitae Variant Classification Sherloc (09022015). Collection method: clinical testing. Allele origin: germline.
Comment: In summary, the available evidence is currently insufficient to determine the role of this variant in disease. Therefore, it has been classified as a Variant of Uncertain Significance. Algorithms developed to predict the effect of missense changes on protein structure and function output the following: SIFT: "Tolerated"; PolyPhen-2: "Benign"; Align-GVGD: "Class C0". The proline amino acid residue is found in multiple mammalian species, which suggests that this missense change does not adversely affect protein function. This variant has not been reported in the literature in individuals affected with MPDZ-related conditions. This variant is not present in population databases (gnomAD no frequency). This sequence change replaces threonine, which is neutral and polar, with proline, which is neutral and non-polar, at codon 930 of the MPDZ protein (p.Thr930Pro).